The following is an entry in ClinVar:

ClinVar aggregate classification (germline): Benign. Review status: criteria provided, multiple submitters, no conflicts (2 of 4 stars). 3 submissions from 3 submitters: Benign (3). Last evaluated 2026-09-23.

Conditions:
Huntington disease (HD). Also called: Huntington's chorea; Huntington's disease; HUNTINGTON CHOREA. Identifiers: Orphanet 248111, Orphanet 399, MedGen C0020179, MONDO:0007739, OMIM 143100.

Submissions (3):

Department Of Human Genetics, Institute Of Clinical And Translational Research, Biomedical Research Center, Slovak Academy Of Sciences
Classification: Benign for Huntington disease. Last evaluated: 2026-09-23. Review status: criteria provided, single submitter. Criteria: ACMG Guidelines for Huntington disease, 2014. Collection method: research. Allele origin: germline. Inheritance: Autosomal dominant inheritance.
Comment: The NC_000004.12.g.3074878_3074940AGC[18]AAC[1]AGC[1] allele represents a complex trinucleotide repeat sequence in the HTT (huntingtin) gene. The repeat tract consists of 18 consecutive AGC repeats, followed by one AAC interruption and one additional AGC repeat. This sequence corresponds to 18 uninterrupted glutamine-encoding units or 20 interrupted glutamine-encoding repeat units (this count the AAC interruption and the additional AGC to the total number of repeats on the DNA level, while all resulting in glutamine residues at the protein level). Huntington disease (HD) is an autosomal dominant neurodegenerative disorder caused by an expansion of the CAG trinucleotide repeat in exon 1 of the HTT gene. HTT alleles containing 26 or fewer CAG repeats are considered within the normal range, whereas alleles containing 27–35 repeats are classified as intermediate/premutation, 36-39 repeats as reduced-penetrance pathogenic alleles, and 40 or more repeats as full-penetrance pathogenic alleles. This allele falls into the benign range both when considering the 18 uninterrupted as well as the 20 interrupted glutamine-encoding repeats. The allele reached 12.15% frequency in the general population of Slovakia (in 609 genotyped alleles).

Laboratory of Genetics, Children's Clinical University Hospital Latvia
Classification: Benign. Last evaluated: 2025-02-16. Review status: criteria provided, single submitter. Criteria: ACMG Guidelines, 2015. Collection method: clinical testing. Allele origin: germline. Affected: yes.

Blueprint Genetics
Classification: Benign. Last evaluated: 2024-11-26. Review status: criteria provided, single submitter. Criteria: ACMG Guidelines, 2015. Collection method: clinical testing. Allele origin: germline.

NM_001388492.1(HTT):c.54GCA[20] (p.Gln38_Pro39insGln)

Genes: HTT (huntingtin; plus strand), LOC109461479 (huntingtin repeat instability region; plus strand), LOC129929027 (ATAC-STARR-seq lymphoblastoid silent region 15199; plus strand). Cytogenetic location: 4p16.3.
Variant type: Microsatellite.
Coding change: c.54GCA[20] on transcript NM_001388492.1 (MANE Select); 20 copies in a row of the 3-base unit GCA starting at c.54.
Protein change: p.Gln38_Pro39insGln.
Genome position: GRCh38 VCF-style: chr4-3074876-CCAG-C. GRCh37 (hg19) VCF-style: chr4-3076603-CCAG-C.
Other names: c.54GCA[20], p.Gln40del (NM_002111.8); short protein forms Q40del.
Identifiers: ClinVar variation 3910358 (VCV003910358.3).